The following is an entry in ClinVar:

NM_000368.5(TSC1):c.67G>A (p.Asp23Asn)

Gene: TSC1 (TSC complex subunit 1; minus strand). Cytogenetic location: 9q34.13.
Variant type: single nucleotide variant.
Coding change: c.67G>A on transcript NM_000368.5 (MANE Select); coding-DNA position 67, G replaced by A.
Protein change: p.Asp23Asn; replaces aspartic acid 23 with asparagine.
Molecular consequence: missense variant. On other transcripts: 5 prime UTR variant (16), non-coding transcript variant (5), intron variant (2).
Genome position (GRCh38, 1-based): chr9:132,928,806, C>T on the plus strand (G>A on the coding strand, the complement: TSC1 is on the minus strand). VCF-style: chr9-132928806-C-T. GRCh37 (hg19) VCF-style: chr9-135804193-C-T.
Other names: c.67G>A, p.Asp23Asn (NM_001406601.1, NM_001406602.1, NM_001406603.1 and 21 more transcripts); c.-285G>A (NM_001406614.1); c.-422G>A (NM_001406615.1, NM_001406623.1); c.-389G>A (NM_001406616.1, NM_001406624.1); c.-193G>A (NM_001406617.1, NM_001406619.1, NM_001406621.1 and 3 more transcripts); c.-811G>A (NM_001406626.1, NM_001406627.1, NM_001406628.1); c.-953G>A (NM_001406629.1); c.-1027G>A (NM_001406630.1); and 1 more; short protein forms D23N.
Identifiers: ClinVar variation 3462498 (VCV003462498.1).

ClinVar aggregate classification (germline): Uncertain significance (1 of 4 stars; one submission).

Conditions:
Hereditary cancer-predisposing syndrome. Also called: Tumor predisposition; Neoplastic Syndromes, Hereditary; Hereditary neoplastic syndrome; Hereditary Cancer Syndrome. Identifiers: Orphanet 140162, MedGen C0027672, MeSH D009386, MONDO:0015356.

Submission:

Ambry Genetics
Classification: Uncertain significance for Hereditary cancer-predisposing syndrome. Last evaluated: 2024-11-14. Review status: criteria provided, single submitter. Criteria: Ambry Variant Classification Scheme 2023. Collection method: clinical testing. Allele origin: germline.
Comment: The p.D23N variant (also known as c.67G>A), located in coding exon 1 of the TSC1 gene, results from a G to A substitution at nucleotide position 67. The aspartic acid at codon 23 is replaced by asparagine, an amino acid with highly similar properties. This amino acid position is conserved. In addition, this alteration is predicted to be tolerated by in silico analysis. Based on the available evidence, the clinical significance of this variant remains unclear.